The following is an entry in ClinVar:

NM_001384474.1(LOXHD1):c.6050-2A>C

Gene: LOXHD1 (lipoxygenase homology PLAT domains 1; minus strand). Cytogenetic location: 18q21.1.
Variant type: single nucleotide variant.
Coding change: c.6050-2A>C on transcript NM_001384474.1 (MANE Select); the canonical splice acceptor site of the intron before coding-DNA position 6050, A replaced by C.
Molecular consequence: splice acceptor variant.
Genome position (GRCh38, 1-based): chr18:46,485,153, T>G on the plus strand (A>C on the coding strand, the complement: LOXHD1 is on the minus strand). VCF-style: chr18-46485153-T-G. GRCh37 (hg19) VCF-style: chr18-44065116-T-G.
Other names: c.2717-2A>C (NM_001145472.3); c.2429-2A>C (NM_001308013.2); c.767-2A>C (NM_001173129.2, NM_001145473.3); c.5864-2A>C (NM_144612.7, NM_144612.6).
Identifiers: ClinVar variation 3583343 (VCV003583343.2).
Genomic context (GRCh38, chr18:46,485,153, plus strand): 5'-GAGCCAGACGTTCTCCCTGGTTTCGCCTCCGTTGCCCGTTTCTATGACGATCTCGTAGGC[T>G]GTAATGGAGGAGGTGGGGGAGGGTCAGCACAGGGGAAGCAGTGCCCGTCTTCAGGGCGGG-3'

ClinVar aggregate classification (germline): Pathogenic/Likely pathogenic. Review status: criteria provided, multiple submitters, no conflicts (2 of 4 stars). 2 submissions from 2 submitters: Pathogenic (1); Likely pathogenic (1). Last evaluated 2025-01-09.

Conditions:
Autosomal recessive nonsyndromic hearing loss 77. Identifiers: Orphanet 90636, MedGen C2746083, MONDO:0013119, OMIM 613079.

Submissions (2):

Institute of Rare Diseases, West China Hospital, Sichuan University
Classification: Pathogenic for Autosomal recessive nonsyndromic hearing loss 77. Last evaluated: 2025-01-09. Review status: criteria provided, single submitter. Criteria: ClinGen HL ACMG Specifications v1. Collection method: research. Allele origin: germline. Affected: yes.
Comment: PVS1;PM3;PM2_Supporting

Fulgent Genetics
Classification: Likely pathogenic for Autosomal recessive nonsyndromic hearing loss 77. Last evaluated: 2024-05-04. Review status: criteria provided, single submitter. Criteria: ACMG Guidelines, 2015. Collection method: clinical testing. Allele origin: germline.